The following is an entry in ClinVar:

ClinVar aggregate classification (germline): Uncertain significance. Review status: criteria provided, multiple submitters, no conflicts (2 of 4 stars). 2 submissions from 2 submitters: Uncertain significance (2). Last evaluated 2025-01-23.

Conditions:
Inborn genetic diseases. Identifiers: MedGen C0950123, MeSH D030342.

Allele frequency attached by ClinVar (database versions not stated): gnomAD 0.00003; gnomAD exomes 0.00001; TOPMed 0.00001.

Submissions (2):

Ambry Genetics
Classification: Uncertain significance for Inborn genetic diseases. Last evaluated: 2025-01-23. Review status: criteria provided, single submitter. Criteria: Ambry Variant Classification Scheme 2023. Collection method: clinical testing. Allele origin: germline.

Labcorp Genetics (formerly Invitae), Labcorp
Classification: Uncertain significance. Last evaluated: 2022-10-13. Review status: criteria provided, single submitter. Criteria: Invitae Variant Classification Sherloc (09022015). Collection method: clinical testing. Allele origin: germline.
Comment: This variant has not been reported in the literature in individuals affected with XYLT2-related conditions. In summary, the available evidence is currently insufficient to determine the role of this variant in disease. Therefore, it has been classified as a Variant of Uncertain Significance. Advanced modeling of protein sequence and biophysical properties (such as structural, functional, and spatial information, amino acid conservation, physicochemical variation, residue mobility, and thermodynamic stability) performed at Invitae indicates that this missense variant is not expected to disrupt XYLT2 protein function. This variant is present in population databases (no rsID available, gnomAD 0.001%). This sequence change replaces serine, which is neutral and polar, with threonine, which is neutral and polar, at codon 310 of the XYLT2 protein (p.Ser310Thr).

NM_022167.4(XYLT2):c.929G>C (p.Ser310Thr)

Gene: XYLT2 (xylosyltransferase 2; plus strand). Cytogenetic location: 17q21.33.
Variant type: single nucleotide variant.
Coding change: c.929G>C on transcript NM_022167.4 (MANE Select); coding-DNA position 929, G replaced by C.
Protein change: p.Ser310Thr; replaces serine 310 with threonine.
Molecular consequence: missense variant.
Genome position (GRCh38, 1-based): chr17:50,354,978, G>C. VCF-style: chr17-50354978-G-C. GRCh37 (hg19) VCF-style: chr17-48432339-G-C.
Other names: short protein forms S310T.
Identifiers: ClinVar variation 1921997 (VCV001921997.6), dbSNP rs1282082560, ClinGen allele CA400202359.